The following is an entry in ClinVar:

ClinVar aggregate classification (germline): Likely benign (1 of 4 stars; one submission).

Conditions:
Leigh syndrome (NULS). Also called: Leigh's necrotizing encephalopathy; Leigh's disease; Leigh Syndrome (mtDNA deletion); Leigh Disease; Subacute necrotizing encephalopathy; Necrotizing encephalopathy infantile subacute of Leigh. Identifiers: Orphanet 506, MedGen C2931891, MONDO:0009723, OMIM 256000.

Submission:

Wong Mito Lab, Molecular and Human Genetics, Baylor College of Medicine
Classification: Likely benign for Leigh syndrome. Last evaluated: 2019-10-17. Review status: criteria provided, single submitter. Criteria: Modified ACMG Guidelines (Unpublished). Collection method: clinical testing. Allele origin: germline.
Comment: The NC_012920.1:m.3628A>T (YP_003024026.1:p.Thr108Ser) variant in MTND1 gene is interpretated to be a Likely Benign variant based on the modified ACMG guidelines (unpublished). This variant meets the following evidence codes: BP4, BP5, PP7

NC_012920.1(MT-ND1):m.3628A>T

Gene: MT-ND1 (mitochondrially encoded NADH dehydrogenase 1; plus strand).
Variant type: single nucleotide variant.
Genome position: chrM-3628-A-T.
Identifiers: ClinVar variation 692379 (VCV000692379.1), dbSNP rs1603219051, ClinGen allele CA414773176.